The following is an entry in ClinVar:

ClinVar aggregate classification (germline): Conflicting classifications of pathogenicity. Review status: criteria provided, conflicting classifications (1 of 4 stars). 3 submissions from 3 submitters: Uncertain significance (2); Likely benign (1). Last evaluated 2025-07-02.

Conditions:
TCF20-related disorder. Also called: TCF20-related condition.
Inborn genetic diseases. Identifiers: MedGen C0950123, MeSH D030342.

Allele frequency attached by ClinVar (database versions not stated): ExAC 0.00001; gnomAD exomes 0.00001; TOPMed 0.00001; ESP Exome Variant Server 0.00008.
gnomAD v4.1: 16 of 1,614,132 alleles (0.00099%); highest among the groups gnomAD compares: South Asian, 0.0099%; 1 homozygote.

Submissions (3):

Ambry Genetics
Classification: Likely benign for Inborn genetic diseases. Last evaluated: 2025-07-02. Review status: criteria provided, single submitter. Criteria: Ambry Variant Classification Scheme 2023. Collection method: clinical testing. Allele origin: germline.

PreventionGenetics, part of Exact Sciences
Classification: Uncertain significance for TCF20-related condition. Last evaluated: 2024-10-13. Review status: criteria provided, single submitter. Criteria: ACMG Guidelines, 2015. Collection method: clinical testing. Allele origin: germline.
Comment: The TCF20 c.5375C>T variant is predicted to result in the amino acid substitution p.Ser1792Leu. To our knowledge, this variant has not been reported in the literature. This variant is reported in 0.0098% of alleles in individuals of South Asian descent in gnomAD. At this time, the clinical significance of this variant is uncertain due to the absence of conclusive functional and genetic evidence.

Labcorp Genetics (formerly Invitae), Labcorp
Classification: Uncertain significance. Last evaluated: 2024-10-09. Review status: criteria provided, single submitter. Criteria: Invitae Variant Classification Sherloc (09022015). Collection method: clinical testing. Allele origin: germline.
Comment: This sequence change replaces serine, which is neutral and polar, with leucine, which is neutral and non-polar, at codon 1792 of the TCF20 protein (p.Ser1792Leu). This variant is present in population databases (rs373214954, gnomAD 0.01%), including at least one homozygous and/or hemizygous individual. This variant has not been reported in the literature in individuals affected with TCF20-related conditions. ClinVar contains an entry for this variant (Variation ID: 2394217). An algorithm developed to predict the effect of missense changes on protein structure and function (PolyPhen-2) suggests that this variant is likely to be disruptive. In summary, the available evidence is currently insufficient to determine the role of this variant in disease. Therefore, it has been classified as a Variant of Uncertain Significance.

NM_001378418.1(TCF20):c.5375C>T (p.Ser1792Leu)

Gene: TCF20 (transcription factor 20; minus strand). Cytogenetic location: 22q13.2.
Variant type: single nucleotide variant.
Coding change: c.5375C>T on transcript NM_001378418.1 (MANE Select); coding-DNA position 5375, C replaced by T.
Protein change: p.Ser1792Leu; replaces serine 1792 with leucine.
Molecular consequence: missense variant.
Genome position (GRCh38, 1-based): chr22:42,209,931, G>A on the plus strand (C>T on the coding strand, the complement: TCF20 is on the minus strand). VCF-style: chr22-42209931-G-A. GRCh37 (hg19) VCF-style: chr22-42605937-G-A.
Other names: c.5375C>T (NM_005650.3); c.5375C>T, p.Ser1792Leu (NM_005650.4, NM_181492.3); short protein forms S1792L.
Identifiers: ClinVar variation 2394217 (VCV002394217.7), dbSNP rs373214954, ClinGen allele CA10266487.